The following is an entry in ClinVar:

NM_178857.6(RP1L1):c.1617C>T (p.Thr539=)

Gene: RP1L1 (RP1 like 1). Cytogenetic location: 8p23.1.
Variant type: single nucleotide variant.
Coding change: c.1617C>T on transcript NM_178857.6 (MANE Select); coding-DNA position 1617, C replaced by T.
Protein change: p.Thr539=; no amino-acid change (threonine 539 retained).
Molecular consequence: synonymous variant.
Genome position (GRCh38, 1-based): chr8:10,612,481, G>A on the plus strand (C>T on the coding strand, the complement: RP1L1 is on the minus strand). VCF-style: chr8-10612481-G-A. GRCh37 (hg19) VCF-style: chr8-10469991-G-A.
Identifiers: ClinVar variation 911643 (VCV000911643.6), dbSNP rs370508607, ClinGen allele CA4625109.

ClinVar aggregate classification (germline): Likely benign. Review status: criteria provided, multiple submitters, no conflicts (2 of 4 stars). 3 submissions from 3 submitters: Likely benign (3). Last evaluated 2026-06-15.

Conditions:
RP1L1-related disorder. Also called: RP1L1-related condition.
Occult macular dystrophy (OCMD). Also called: OCCULT MACULAR DYSTROPHY, SUSCEPTIBILITY TO; OMD. Identifiers: Orphanet 247834, MedGen C3150833, MONDO:0013316, OMIM 613587, HP:0030636.

Allele frequency attached by ClinVar (database versions not stated): ExAC 0.00006; TOPMed 0.00006; ESP Exome Variant Server 0.00008; gnomAD 0.00010.
gnomAD v4.1: 55 of 1,612,450 alleles (0.0034%); highest among the groups gnomAD compares: South Asian, 0.036%; 1 homozygote.

Submissions (3):

PreventionGenetics, part of Exact Sciences
Classification: Likely benign for RP1L1-related condition. Last evaluated: 2026-06-15. Review status: criteria provided, single submitter. Criteria: ACMG Guidelines, 2015. Collection method: clinical testing. Allele origin: germline.
Comment: This variant is classified as likely benign based on ACMG/AMP sequence variant interpretation guidelines (Richards et al. 2015 PMID: 25741868, with internal and published modifications).

Blueprint Genetics
Classification: Likely benign. Last evaluated: 2022-11-07. Review status: criteria provided, single submitter. Criteria: ACMG Guidelines, 2015. Collection method: clinical testing. Allele origin: germline.

Illumina Laboratory Services, Illumina
Classification: Likely benign for Occult macular dystrophy. Last evaluated: 2018-01-13. Review status: criteria provided, single submitter. Criteria: ICSL Variant Classification Criteria 13 December 2019. Collection method: clinical testing. Allele origin: germline.
Comment: This variant was observed in the ICSL laboratory as part of a predisposition screen in an ostensibly healthy population. It had not been previously curated by ICSL or reported in the Human Gene Mutation Database (HGMD: prior to June 1st, 2018), and was therefore a candidate for classification through an automated scoring system. Utilizing variant allele frequency, disease prevalence and penetrance estimates, and inheritance mode, an automated score was calculated to assess if this variant is too frequent to cause the disease. Based on the score and internal cut-off values, a variant classified as likely benign is not then subjected to further curation. The score for this variant resulted in a classification of likely benign for this disease.